The following is an entry in ClinVar:

NM_024675.4(PALB2):c.2503del (p.Ser835fs)

Gene: PALB2 (partner and localizer of BRCA2; minus strand). Cytogenetic location: 16p12.2.
Variant type: Deletion.
Coding change: c.2503del on transcript NM_024675.4 (MANE Select); coding-DNA position 2503, one base deleted (T; older notation c.2503delT).
Protein change: p.Ser835fs; shifts the reading frame from serine 835.
Molecular consequence: frameshift variant. On other transcripts: intron variant (1).
Genome position (GRCh38, 1-based): chr16:23,629,651, A deleted on the plus strand (T on the coding strand, the reverse complement: PALB2 is on the minus strand); the first of 2 consecutive A bases (chr16:23,629,651-23,629,652); deleting either gives the same sequence. VCF-style (leftmost placement, unchanged base first): chr16-23629650-GA-G. GRCh37 (hg19) VCF-style: chr16-23640971-GA-G.
Other names: c.2503del, p.Ser835fs (NM_001407297.1, NM_001407298.1, NM_001407299.1 and 3 more transcripts); c.1618del, p.Ser540fs (NM_001407304.1, NM_001407305.1, NM_001407306.1 and 5 more transcripts); c.715del, p.Ser239fs (NM_001407312.1, NM_001407313.1); c.49-376del (NM_001407314.1); c.2443del, p.Ser815fs (NM_001407296.1); short protein forms S239fs, S540fs, S815fs, S835fs.
Identifiers: ClinVar variation 2674177 (VCV002674177.1), dbSNP rs2506402781, ClinGen allele CA2695197458.

ClinVar aggregate classification (germline): Pathogenic (1 of 4 stars; one submission).

Conditions:
Familial cancer of breast. Also called: Hereditary breast cancer; BREAST CANCER, FAMILIAL; hereditary breast carcinoma. Identifiers: Orphanet 227535, MedGen C0346153, MONDO:0016419, OMIM 114480. Disease mechanism: loss of function.

Submission:

Myriad Genetics, Inc.
Classification: Pathogenic for Familial cancer of breast. Last evaluated: 2023-09-12. Review status: criteria provided, single submitter. Criteria: Myriad Autosomal Dominant, Autosomal Recessive and X-Linked Classification Criteria (2023). Collection method: clinical testing. Allele origin: unknown.
Comment: This variant is considered pathogenic. This variant creates a frameshift predicted to result in premature protein truncation.